The following is an entry in ClinVar:

NM_003722.5(TP63):c.444C>T (p.Pro148=)

Gene: TP63 (tumor protein p63; plus strand). Cytogenetic location: 3q28.
Variant type: single nucleotide variant.
Coding change: c.444C>T on transcript NM_003722.5 (MANE Select); coding-DNA position 444, C replaced by T.
Protein change: p.Pro148=; no amino-acid change (proline 148 retained).
Molecular consequence: synonymous variant. On other transcripts: intron variant (2).
Genome position (GRCh38, 1-based): chr3:189,808,391, C>T. VCF-style: chr3-189808391-C-T. GRCh37 (hg19) VCF-style: chr3-189526180-C-T.
Other names: c.444C>T, p.Pro148= (NM_001114978.2, NM_001114979.2, NM_001329144.2 and 1 more transcripts); c.162C>T, p.Pro54= (NM_001114980.2, NM_001114981.2, NM_001114982.2 and 2 more transcripts); c.438C>T, p.Pro146= (NM_001329964.2); c.42+18549C>T (NM_001329146.2, NM_001329150.2).
Identifiers: ClinVar variation 3049344 (VCV003049344.2), dbSNP rs150028891, ClinGen allele CA437636865.

ClinVar aggregate classification (germline): Likely benign (0 of 4 stars; one submission).

Conditions:
TP63-related disorder. Also called: TP63-Related Disorders; TP63-related condition. Identifiers: MedGen CN380159.

gnomAD v4.1: 2 of 1,614,218 alleles (0.00012%); highest among the groups gnomAD compares: Admixed American, 0.0017%; no homozygotes.

Submission:

PreventionGenetics, part of Exact Sciences
Classification: Likely benign for TP63-related condition. Last evaluated: 2023-04-17. Review status: no assertion criteria provided. Collection method: clinical testing. Allele origin: germline.
Comment: This variant is classified as likely benign based on ACMG/AMP sequence variant interpretation guidelines (Richards et al. 2015 PMID: 25741868, with internal and published modifications).